The following is an entry in ClinVar:

ClinVar aggregate classification (germline): Uncertain significance. Review status: criteria provided, multiple submitters, no conflicts (2 of 4 stars). 2 submissions from 2 submitters: Uncertain significance (2). Last evaluated 2025-07-08.

Conditions:
Inborn genetic diseases. Identifiers: MedGen C0950123, MeSH D030342.

gnomAD v4.1: 7 of 1,613,972 alleles (0.00043%); highest among the groups gnomAD compares: Non-Finnish European, 0.00059%; no homozygotes.

Submissions (2):

Ambry Genetics
Classification: Uncertain significance for Inborn genetic diseases. Last evaluated: 2025-07-08. Review status: criteria provided, single submitter. Criteria: Ambry Variant Classification Scheme 2023. Collection method: clinical testing. Allele origin: germline.

GeneDx
Classification: Uncertain significance. Last evaluated: 2025-05-13. Review status: criteria provided, single submitter. Criteria: GeneDx Variant Classification Process June 2021. Collection method: clinical testing. Allele origin: germline. Affected: yes.
Comment: In silico analysis suggests that this missense variant does not alter protein structure/function; Has not been previously published as pathogenic or benign to our knowledge

NM_001252.5(CD70):c.69G>T (p.Leu23Phe)

Genes: CD70 (CD70 molecule; minus strand), LOC130063317 (ATAC-STARR-seq lymphoblastoid active region 13847; plus strand). Cytogenetic location: 19p13.3.
Variant type: single nucleotide variant.
Coding change: c.69G>T on transcript NM_001252.5 (MANE Select); coding-DNA position 69, G replaced by T.
Protein change: p.Leu23Phe; replaces leucine 23 with phenylalanine.
Molecular consequence: missense variant.
Genome position (GRCh38, 1-based): chr19:6,590,934, C>A on the plus strand (G>T on the coding strand, the complement: CD70 is on the minus strand). VCF-style: chr19-6590934-C-A. GRCh37 (hg19) VCF-style: chr19-6590945-C-A.
Other names: c.69G>T, p.Leu23Phe (NM_001330332.2); c.69G>T (NM_001252.4); short protein forms L23F.
Identifiers: ClinVar variation 4223010 (VCV004223010.2).